The following is an entry in ClinVar:

NM_000237.3(LPL):c.693C>G (p.Asp231Glu)

Gene: LPL (lipoprotein lipase; plus strand). Cytogenetic location: 8p21.3.
Variant type: single nucleotide variant.
Coding change: c.693C>G on transcript NM_000237.3 (MANE Select); coding-DNA position 693, C replaced by G.
Protein change: p.Asp231Glu; replaces aspartic acid 231 with glutamic acid.
Molecular consequence: missense variant.
Genome position (GRCh38, 1-based): chr8:19,954,271, C>G. VCF-style: chr8-19954271-C-G. GRCh37 (hg19) VCF-style: chr8-19811782-C-G.
Other names: D204E; c.693C>G (NM_000237.2); short protein forms D231E.
Identifiers: ClinVar variation 1528 (VCV000001528.2), dbSNP rs118204067, ClinGen allele CA251866.

ClinVar aggregate classification (germline): Uncertain significance. Review status: criteria provided, single submitter (1 of 4 stars). 2 submissions from 2 submitters: Uncertain significance (1). 1 of the submissions does not count toward it. Last evaluated 2026-08-13.

Conditions:
Cardiovascular phenotype. Identifiers: MedGen CN230736.
Hyperlipoproteinemia, type I. Also called: Familial hyperlipo-proteinemia type 1; Hyperlipemia essential familial; HYPERLIPOPROTEINEMIA, TYPE IA; LPL DEFICIENCY; Lipoprotein Lipase Deficiency; Hyperlipoproteinemia type 1. Identifiers: Orphanet 309015, Orphanet 444490, MedGen C0023817, MONDO:0009387, OMIM 238600. Disease mechanism: loss of function.

Allele frequency attached by ClinVar (database versions not stated): gnomAD exomes below 0.00001.

Submissions (2):

Ambry Genetics
Classification: Uncertain significance for Cardiovascular phenotype. Last evaluated: 2026-08-13. Review status: criteria provided, single submitter. Criteria: Ambry Variant Classification Scheme 2023. Collection method: clinical testing. Allele origin: germline.
Comment: The p.D231E variant (also known as c.693C>G), located in coding exon 5 of the LPL gene, results from a C to G substitution at nucleotide position 693. The aspartic acid at codon 231 is replaced by glutamic acid, an amino acid with highly similar properties. This variant has been identified in the homozygous state and/or in conjunction with other LPL variant(s) in individual(s) with features consistent with LPL-related chylomicronemia syndrome; in at least one instance, the variants were identified in trans (Ikeda Y et al. Clin Sci (Lond), 2000 Dec;99:569-78; Murase T et al. J Clin Lipidol, 2017 Aug;11:1383-1392). Note, this variant is also referred to as p.D204E in the literature. This amino acid position is highly conserved in available vertebrate species. In addition, this alteration is predicted to be deleterious by in silico analysis. Based on the available evidence, the clinical significance of this variant remains unclear.

OMIM
Classification: Pathogenic for LIPOPROTEIN LIPASE DEFICIENCY. Last evaluated: 1991-12-01. Review status: no assertion criteria provided. Collection method: literature only. Allele origin: germline. Not counted in ClinVar's aggregate classification.

Literature cited by the submitters: PubMed 11099402 (cited by Ambry Genetics); PubMed 11993791 (cited by Ambry Genetics); PubMed 1752947 (cited by Ambry Genetics and OMIM); PubMed 28958672 (cited by Ambry Genetics).